The following is an entry in ClinVar:

NM_000051.4(ATM):c.169T>C (p.Trp57Arg)

Gene: ATM (ATM serine/threonine kinase; plus strand). Cytogenetic location: 11q22.3.
Variant type: single nucleotide variant.
Coding change: c.169T>C on transcript NM_000051.4 (MANE Select); coding-DNA position 169, T replaced by C.
Protein change: p.Trp57Arg; replaces tryptophan 57 with arginine.
Molecular consequence: missense variant.
Genome position (GRCh38, 1-based): chr11:108,227,872, T>C. VCF-style: chr11-108227872-T-C. GRCh37 (hg19) VCF-style: chr11-108098599-T-C.
Other names: c.169T>C, p.Trp57Arg (NM_001351834.2, NM_001351835.2, NM_001351836.2); short protein forms W57R.
Identifiers: ClinVar variation 479080 (VCV000479080.14), dbSNP rs1555054238, ClinGen allele CA382520500.

ClinVar aggregate classification (germline): Uncertain significance. Review status: criteria provided, multiple submitters, no conflicts (2 of 4 stars). 2 submissions from 2 submitters: Uncertain significance (2). Last evaluated 2025-11-01.

Conditions:
Hereditary cancer-predisposing syndrome. Also called: Tumor predisposition; Neoplastic Syndromes, Hereditary; Hereditary Cancer Syndrome; Hereditary neoplastic syndrome. Identifiers: Orphanet 140162, MedGen C0027672, MeSH D009386, MONDO:0015356.
Ataxia-telangiectasia syndrome (AT). Also called: Cerebello-oculocutaneous telangiectasia; Immunodeficiency with ataxia telangiectasia; ATAXIA-TELANGIECTASIA, COMPLEMENTATION GROUP A; Ataxia-telangiectasia, complementation group D; AT, COMPLEMENTATION GROUP C; ATAXIA-TELANGIECTASIA, FRESNO VARIANT. Identifiers: Orphanet 100, MedGen C0004135, MONDO:0008840, OMIM 208900.

Submissions (2):

Ambry Genetics
Classification: Uncertain significance for Hereditary cancer-predisposing syndrome. Last evaluated: 2025-11-01. Review status: criteria provided, single submitter. Criteria: Ambry Variant Classification Scheme 2023. Collection method: clinical testing. Allele origin: germline.
Comment: The p.W57R variant (also known as c.169T>C), located in coding exon 2 of the ATM gene, results from a T to C substitution at nucleotide position 169. The tryptophan at codon 57 is replaced by arginine, an amino acid with dissimilar properties. This amino acid position is highly conserved in available vertebrate species. In addition, this alteration is predicted to be deleterious by in silico analysis. Since supporting evidence is limited at this time, the clinical significance of this alteration remains unclear.

Labcorp Genetics (formerly Invitae), Labcorp
Classification: Uncertain significance for Ataxia-telangiectasia syndrome. Last evaluated: 2025-02-03. Review status: criteria provided, single submitter. Criteria: Invitae Variant Classification Sherloc (09022015). Collection method: clinical testing. Allele origin: germline.
Comment: This sequence change replaces tryptophan, which is neutral and slightly polar, with arginine, which is basic and polar, at codon 57 of the ATM protein (p.Trp57Arg). This variant is not present in population databases (gnomAD no frequency). This variant has not been reported in the literature in individuals affected with ATM-related conditions. ClinVar contains an entry for this variant (Variation ID: 479080). Invitae Evidence Modeling of protein sequence and biophysical properties (such as structural, functional, and spatial information, amino acid conservation, physicochemical variation, residue mobility, and thermodynamic stability) has been performed for this missense variant. However, the output from this modeling did not meet the statistical confidence thresholds required to predict the impact of this variant on ATM protein function. In summary, the available evidence is currently insufficient to determine the role of this variant in disease. Therefore, it has been classified as a Variant of Uncertain Significance.